The following is an entry in ClinVar:

NM_001110219.3(GJB6):c.326G>A (p.Gly109Glu)

Gene: GJB6 (gap junction protein beta 6; minus strand). Cytogenetic location: 13q12.11.
Variant type: single nucleotide variant.
Coding change: c.326G>A on transcript NM_001110219.3 (MANE Select); coding-DNA position 326, G replaced by A.
Protein change: p.Gly109Glu; replaces glycine 109 with glutamic acid.
Molecular consequence: missense variant.
Genome position (GRCh38, 1-based): chr13:20,223,155, C>T on the plus strand (G>A on the coding strand, the complement: GJB6 is on the minus strand). VCF-style: chr13-20223155-C-T. GRCh37 (hg19) VCF-style: chr13-20797294-C-T.
Other names: c.326G>A, p.Gly109Glu (NM_001110220.3, NM_001110221.3, NM_001370090.1 and 3 more transcripts); c.326G>A (NM_006783.4); short protein forms G109E.
Identifiers: ClinVar variation 2336365 (VCV002336365.5), dbSNP rs747722057, ClinGen allele CA198808.

ClinVar aggregate classification (germline): Uncertain significance. Review status: criteria provided, multiple submitters, no conflicts (2 of 4 stars). 2 submissions from 2 submitters: Uncertain significance (2). Last evaluated 2023-09-11.

Conditions:
Inborn genetic diseases. Identifiers: MedGen C0950123, MeSH D030342.
Autosomal dominant nonsyndromic hearing loss 3B. Identifiers: Orphanet 90635, MedGen C2675237, MONDO:0012975, OMIM 612643.
Autosomal recessive nonsyndromic hearing loss 1A (DFNB1A). Also called: Connexin 26 deafness; Deafness nonsyndromic, Connexin 26 linked; GJB6-Related DFNB 1 Nonsyndromic Hearing Loss and Deafness; Deafness, autosomal recessive 1A; Nonsyndromic Hearing Loss and Deafness, DFNB1; GJB2-Related Autosomal Recessive Nonsyndromic Hearing Loss. Identifiers: Orphanet 90636, MedGen C2673759, MONDO:0009076, OMIM 220290.
Hidrotic ectodermal dysplasia syndrome (GJB6). Also called: CLOUSTON HIDROTIC ECTODERMAL DYSPLASIA; Ectodermal dysplasia 2, hidrotic; Autosomal dominant hidrotic ectodermal dysplasia; Clouston syndrome; Clouston's hidrotic ectodermal dysplasia; ECTODERMAL DYSPLASIA 2, CLOUSTON TYPE. Identifiers: Orphanet 189, MedGen C0162361, MONDO:0007510, OMIM 129500.
Autosomal recessive nonsyndromic hearing loss 1B. Also called: DEAFNESS, AUTOSOMAL RECESSIVE 1B. Identifiers: Orphanet 90636, MedGen C2675235, MONDO:0012977, OMIM 612645.

Allele frequency attached by ClinVar (database versions not stated): ExAC 0.00001; TOPMed 0.00002; gnomAD exomes 0.00006; gnomAD 0.00003.
gnomAD v4.1: 88 of 1,613,820 alleles (0.0055%); highest among the groups gnomAD compares: Non-Finnish European, 0.007%; no homozygotes.

Submissions (2):

Labcorp Genetics (formerly Invitae), Labcorp
Classification: Uncertain significance for Autosomal dominant nonsyndromic hearing loss 3B; Hidrotic ectodermal dysplasia syndrome; Autosomal recessive nonsyndromic hearing loss 1B; Autosomal recessive nonsyndromic hearing loss 1A. Last evaluated: 2023-09-11. Review status: criteria provided, single submitter. Criteria: Invitae Variant Classification Sherloc (09022015). Collection method: clinical testing. Allele origin: germline.
Comment: In summary, the available evidence is currently insufficient to determine the role of this variant in disease. Therefore, it has been classified as a Variant of Uncertain Significance. Advanced modeling of protein sequence and biophysical properties (such as structural, functional, and spatial information, amino acid conservation, physicochemical variation, residue mobility, and thermodynamic stability) performed at Invitae indicates that this missense variant is not expected to disrupt GJB6 protein function. ClinVar contains an entry for this variant (Variation ID: 2336365). This variant has not been reported in the literature in individuals affected with GJB6-related conditions. The frequency data for this variant in the population databases is considered unreliable, as metrics indicate poor data quality at this position in the gnomAD database. This sequence change replaces glycine, which is neutral and non-polar, with glutamic acid, which is acidic and polar, at codon 109 of the GJB6 protein (p.Gly109Glu).

Ambry Genetics
Classification: Uncertain significance for Inborn genetic diseases. Last evaluated: 2022-12-19. Review status: criteria provided, single submitter. Criteria: Ambry Variant Classification Scheme 2023. Collection method: clinical testing. Allele origin: germline.